The following is an entry in ClinVar:

ClinVar aggregate classification (germline): Uncertain significance (1 of 4 stars; one submission).

Allele frequency attached by ClinVar (database versions not stated): gnomAD exomes below 0.00001.
gnomAD v4.1: 1 of 1,614,142 alleles (0.000062%); highest among the groups gnomAD compares: Non-Finnish European, 0.000085%; no homozygotes.

Submission:

Labcorp Genetics (formerly Invitae), Labcorp
Classification: Uncertain significance. Last evaluated: 2022-05-11. Review status: criteria provided, single submitter. Criteria: Invitae Variant Classification Sherloc (09022015). Collection method: clinical testing. Allele origin: germline.
Comment: This variant is present in population databases (no rsID available, gnomAD 0.0009%). In summary, the available evidence is currently insufficient to determine the role of this variant in disease. Therefore, it has been classified as a Variant of Uncertain Significance. Algorithms developed to predict the effect of missense changes on protein structure and function are either unavailable or do not agree on the potential impact of this missense change (SIFT: "Not Available"; PolyPhen-2: "Probably Damaging"; Align-GVGD: "Not Available"). This variant has not been reported in the literature in individuals affected with FN1-related conditions. This sequence change replaces aspartic acid, which is acidic and polar, with asparagine, which is neutral and polar, at codon 235 of the FN1 protein (p.Asp235Asn).

NM_212482.4(FN1):c.703G>A (p.Asp235Asn)

Gene: FN1 (fibronectin 1; minus strand). Cytogenetic location: 2q35.
Variant type: single nucleotide variant.
Coding change: c.703G>A on transcript NM_212482.4 (MANE Select); coding-DNA position 703, G replaced by A.
Protein change: p.Asp235Asn; replaces aspartic acid 235 with asparagine.
Molecular consequence: missense variant.
Genome position (GRCh38, 1-based): chr2:215,428,321, C>T on the plus strand (G>A on the coding strand, the complement: FN1 is on the minus strand). VCF-style: chr2-215428321-C-T. GRCh37 (hg19) VCF-style: chr2-216293044-C-T.
Other names: c.703G>A, p.Asp235Asn (NM_001306129.2, NM_001306130.2, NM_001306131.2 and 14 more transcripts); short protein forms D235N.
Identifiers: ClinVar variation 1993169 (VCV001993169.4), dbSNP rs1193162183, ClinGen allele CA350474328.